The following is an entry in ClinVar:

ClinVar aggregate classification (germline): Uncertain significance (1 of 4 stars; one submission).

Submission:

Ambry Genetics
Classification: Uncertain significance. Last evaluated: 2021-12-10. Review status: criteria provided, single submitter. Criteria: Ambry Variant Classification Scheme 2023. Collection method: clinical testing. Allele origin: germline.
Comment: The p.K155N variant (also known as c.465A>C), located in coding exon 1 of the PALLD gene, results from an A to C substitution at nucleotide position 465. The lysine at codon 155 is replaced by asparagine, an amino acid with similar properties. This amino acid position is conserved. In addition, this alteration is predicted to be tolerated by in silico analysis. Since supporting evidence is limited at this time, the clinical significance of this alteration remains unclear.

NM_001166108.2(PALLD):c.465A>C (p.Lys155Asn)

Gene: PALLD (palladin, cytoskeletal associated protein; plus strand). Cytogenetic location: 4q32.3.
Variant type: single nucleotide variant.
Coding change: c.465A>C on transcript NM_001166108.2 (MANE Select); coding-DNA position 465, A replaced by C.
Protein change: p.Lys155Asn; replaces lysine 155 with asparagine.
Molecular consequence: missense variant.
Genome position (GRCh38, 1-based): chr4:168,511,969, A>C. VCF-style: chr4-168511969-A-C. GRCh37 (hg19) VCF-style: chr4-169433120-A-C.
Other names: c.465A>C, p.Lys155Asn (NM_016081.4); short protein forms K155N.
Identifiers: ClinVar variation 1742225 (VCV001742225.2), dbSNP rs2531432848, ClinGen allele CA358726083.
Genomic context (GRCh38, chr4:168,511,969, plus strand): 5'-GAGCCTCCGAAAGGCTGAAAAGCGTGGTGCAAAAACTCCCAGCACAAACGTAAAGCCCAA[A>C]ACGCCACATCAAAGAAAGGGTGGCCCCCAGAGCCAGCTGTGTGACAAGGCAGCTAATTTA-3'
Protein context (NP_001159580.1, residues 145-165): AKTPSTNVKP[Lys155Asn]TPHQRKGGPQ